The following is an entry in ClinVar:

ClinVar aggregate classification (germline): Uncertain significance. Review status: criteria provided, multiple submitters, no conflicts (2 of 4 stars). 2 submissions from 2 submitters: Uncertain significance (2). Last evaluated 2025-05-02.

Allele frequency attached by ClinVar (database versions not stated): gnomAD exomes 0.00002 and 0.00004; ExAC 0.00004; gnomAD 0.00007 and 0.00008; TOPMed 0.00007; ESP Exome Variant Server 0.00008.
gnomAD v4.1: 41 of 1,609,674 alleles (0.0025%); highest among the groups gnomAD compares: African/African-American, 0.025%; no homozygotes.

Submissions (2):

Ambry Genetics
Classification: Uncertain significance. Last evaluated: 2025-05-02. Review status: criteria provided, single submitter. Criteria: Ambry Variant Classification Scheme 2023. Collection method: clinical testing. Allele origin: germline.

Labcorp Genetics (formerly Invitae), Labcorp
Classification: Uncertain significance. Last evaluated: 2023-10-24. Review status: criteria provided, single submitter. Criteria: Invitae Variant Classification Sherloc (09022015). Collection method: clinical testing. Allele origin: germline.
Comment: This sequence change replaces arginine, which is basic and polar, with tryptophan, which is neutral and slightly polar, at codon 1445 of the MYH7B protein (p.Arg1445Trp). This variant is present in population databases (rs370495752, gnomAD 0.03%). This variant has not been reported in the literature in individuals affected with MYH7B-related conditions. ClinVar contains an entry for this variant (Variation ID: 1379018). Advanced modeling of protein sequence and biophysical properties (such as structural, functional, and spatial information, amino acid conservation, physicochemical variation, residue mobility, and thermodynamic stability) performed at Invitae indicates that this missense variant is expected to disrupt MYH7B protein function with a positive predictive value of 80%. Algorithms developed to predict the effect of sequence changes on RNA splicing suggest that this variant may create or strengthen a splice site. In summary, the available evidence is currently insufficient to determine the role of this variant in disease. Therefore, it has been classified as a Variant of Uncertain Significance.

NM_020884.7(MYH7B):c.4207C>T (p.Arg1403Trp)

Gene: MYH7B (myosin heavy chain 7B; plus strand). Cytogenetic location: 20q11.22.
Variant type: single nucleotide variant.
Coding change: c.4207C>T on transcript NM_020884.7 (MANE Select); coding-DNA position 4207, C replaced by T.
Protein change: p.Arg1403Trp; replaces arginine 1403 with tryptophan.
Molecular consequence: missense variant.
Genome position (GRCh38, 1-based): chr20:34,999,072, C>T. VCF-style: chr20-34999072-C-T. GRCh37 (hg19) VCF-style: chr20-33586875-C-T.
Other names: c.4333C>T (NM_020884.3); short protein forms R1403W.
Identifiers: ClinVar variation 1379018 (VCV001379018.9), dbSNP rs370495752, ClinGen allele CA9828037.
Genomic context (GRCh38, chr20:34,999,072, plus strand): 5'-TCCCTCCTTCCATGGTCCACACCTTGTCTGGTTCCATGGCCTAGAAAAAAGCTGGCACTG[C>T]GGCTGCAGGAGGCAGAGGAGGGCGTGGAGGCTGCCAACGCCAAGTGCTCATCGTTGGAGA-3'
Protein context (NP_065935.4, residues 1393-1413): LEEAKKKLAL[Arg1403Trp]LQEAEEGVEA